The following is an entry in ClinVar:

NM_006306.4(SMC1A):c.3205C>G (p.Arg1069Gly)

Gene: SMC1A (structural maintenance of chromosomes 1A; minus strand). Cytogenetic location: Xp11.22.
Variant type: single nucleotide variant.
Coding change: c.3205C>G on transcript NM_006306.4 (MANE Select); coding-DNA position 3205, C replaced by G.
Protein change: p.Arg1069Gly; replaces arginine 1069 with glycine.
Molecular consequence: missense variant.
Genome position (GRCh38, 1-based): chrX:53,382,586, G>C on the plus strand (C>G on the coding strand, the complement: SMC1A is on the minus strand). VCF-style: chrX-53382586-G-C. GRCh37 (hg19) VCF-style: chrX-53409507-G-C.
Other names: c.3139C>G, p.Arg1047Gly (NM_001281463.1); short protein forms R1069G, R1047G.
Identifiers: ClinVar variation 1379113 (VCV001379113.6), dbSNP rs2075588188, ClinGen allele CA413244285.
Genomic context (GRCh38, chrX:53,382,586, plus strand): 5'-ACAGGGCCTTATAGATCTCATCAATGTTGGTAGCCACAGATTCAAAACAAGCATTGAAGC[G>C]GTCAAAGCGCTCCTTCTTGATCTGTTCGAATGCCTGCTTGGCCTTCTTTGCTCGCTTTCG-3'
Protein context (NP_006297.2, residues 1059-1079): FEQIKKERFD[Arg1069Gly]FNACFESVAT

ClinVar aggregate classification (germline): Uncertain significance (1 of 4 stars; one submission).

Conditions:
Congenital muscular hypertrophy-cerebral syndrome (CDLS2). Also called: SMC1A-Related Cornelia de Lange Syndrome; Cornelia de Lange syndrome 2. Identifiers: Orphanet 199, MedGen C1802395, MONDO:0010370, OMIM 300590.

Submission:

Labcorp Genetics (formerly Invitae), Labcorp
Classification: Uncertain significance for Congenital muscular hypertrophy-cerebral syndrome. Last evaluated: 2024-09-30. Review status: criteria provided, single submitter. Criteria: Invitae Variant Classification Sherloc (09022015). Collection method: clinical testing. Allele origin: germline.
Comment: This sequence change replaces arginine, which is basic and polar, with glycine, which is neutral and non-polar, at codon 1069 of the SMC1A protein (p.Arg1069Gly). This variant is not present in population databases (gnomAD no frequency). This variant has not been reported in the literature in individuals affected with SMC1A-related conditions. ClinVar contains an entry for this variant (Variation ID: 1379113). Invitae Evidence Modeling of protein sequence and biophysical properties (such as structural, functional, and spatial information, amino acid conservation, physicochemical variation, residue mobility, and thermodynamic stability) has been performed for this missense variant. However, the output from this modeling did not meet the statistical confidence thresholds required to predict the impact of this variant on SMC1A protein function. In summary, the available evidence is currently insufficient to determine the role of this variant in disease. Therefore, it has been classified as a Variant of Uncertain Significance.